The following is an entry in ClinVar:

NM_006509.4(RELB):c.1529C>T (p.Pro510Leu)

Gene: RELB (RELB proto-oncogene, NF-kB subunit; plus strand). Cytogenetic location: 19q13.32.
Variant type: single nucleotide variant.
Coding change: c.1529C>T on transcript NM_006509.4 (MANE Select); coding-DNA position 1529, C replaced by T.
Protein change: p.Pro510Leu; replaces proline 510 with leucine.
Molecular consequence: missense variant.
Genome position (GRCh38, 1-based): chr19:45,037,579, C>T. VCF-style: chr19-45037579-C-T. GRCh37 (hg19) VCF-style: chr19-45540837-C-T.
Other names: c.1520C>T, p.Pro507Leu (NM_001411087.1); short protein forms P507L, P510L.
Identifiers: ClinVar variation 3686985 (VCV003686985.2).
Genomic context (GRCh38, chr19:45,037,579, plus strand): 5'-CCTACGACCCTACGGCCCCCACACTCTTCACCATGCTGGACCTGCTGCCCCCGGCACCGC[C>T]ACACGCTAGCGCTGTTGTGTGCAGCGGAGGTGCCGGGGCCGTGGTTGGGGAGACCCCCGG-3'
Protein context (NP_006500.2, residues 500-520): TMLDLLPPAP[Pro510Leu]HASAVVCSGG

ClinVar aggregate classification (germline): Uncertain significance (1 of 4 stars; one submission).

Submission:

Labcorp Genetics (formerly Invitae), Labcorp
Classification: Uncertain significance. Last evaluated: 2024-10-10. Review status: criteria provided, single submitter. Criteria: Invitae Variant Classification Sherloc (09022015). Collection method: clinical testing. Allele origin: germline.
Comment: This sequence change replaces proline, which is neutral and non-polar, with leucine, which is neutral and non-polar, at codon 510 of the RELB protein (p.Pro510Leu). This variant is present in population databases (no rsID available, gnomAD 0.003%). This variant has not been reported in the literature in individuals affected with RELB-related conditions. An algorithm developed to predict the effect of missense changes on protein structure and function (PolyPhen-2) suggests that this variant is likely to be disruptive. In summary, the available evidence is currently insufficient to determine the role of this variant in disease. Therefore, it has been classified as a Variant of Uncertain Significance.